The following is an entry in ClinVar:

ClinVar aggregate classification (germline): Uncertain significance (1 of 4 stars; one submission).

Conditions:
Nephronophthisis. Also called: Juvenile Nephronophthisis. Identifiers: Orphanet 655, MedGen C0687120, MONDO:0019005, HP:0000090.

Allele frequency attached by ClinVar (database versions not stated): ExAC 0.00002; gnomAD exomes 0.00003.
gnomAD v4.1: 15 of 1,578,988 alleles (0.00095%); highest among the groups gnomAD compares: African/African-American, 0.0014%; no homozygotes.

Submission:

Labcorp Genetics (formerly Invitae), Labcorp
Classification: Uncertain significance for Nephronophthisis. Last evaluated: 2020-10-25. Review status: criteria provided, single submitter. Criteria: Invitae Variant Classification Sherloc (09022015). Collection method: clinical testing. Allele origin: germline.
Comment: In summary, the available evidence is currently insufficient to determine the role of this variant in disease. Therefore, it has been classified as a Variant of Uncertain Significance. Algorithms developed to predict the effect of missense changes on protein structure and function (SIFT, PolyPhen-2, Align-GVGD) all suggest that this variant is likely to be tolerated, but these predictions have not been confirmed by published functional studies and their clinical significance is uncertain. This variant has not been reported in the literature in individuals with NPHP3-related conditions. This variant is present in population databases (rs763361874, ExAC 0.004%). This sequence change replaces glycine with valine at codon 65 of the NPHP3 protein (p.Gly65Val). The glycine residue is weakly conserved and there is a moderate physicochemical difference between glycine and valine.

NM_153240.5(NPHP3):c.194G>T (p.Gly65Val)

Genes: NPHP3 (nephrocystin 3; minus strand), NPHP3-ACAD11 (NPHP3-ACAD11 readthrough (NMD candidate); minus strand), NPHP3-AS1 (NPHP3 antisense RNA 1; plus strand), LOC129937586 (ATAC-STARR-seq lymphoblastoid silent region 14743; plus strand). Cytogenetic location: 3q22.1.
Variant type: single nucleotide variant.
Coding change: c.194G>T on transcript NM_153240.5 (MANE Select); coding-DNA position 194, G replaced by T.
Protein change: p.Gly65Val; replaces glycine 65 with valine.
Molecular consequence: missense variant. On other transcripts: non-coding transcript variant (3).
Genome position (GRCh38, 1-based): chr3:132,722,162, C>A on the plus strand (G>T on the coding strand, the complement: NPHP3 is on the minus strand). VCF-style: chr3-132722162-C-A. GRCh37 (hg19) VCF-style: chr3-132441006-C-A.
Other names: short protein forms G65V.
Identifiers: ClinVar variation 1358399 (VCV001358399.8), dbSNP rs763361874, ClinGen allele CA2622686.